The following is an entry in ClinVar:

NM_007294.4(BRCA1):c.655G>C (p.Asp219His)

Gene: BRCA1 (BRCA1 DNA repair associated; minus strand). Cytogenetic location: 17q21.31.
Variant type: single nucleotide variant.
Coding change: c.655G>C on transcript NM_007294.4 (MANE Select); coding-DNA position 655, G replaced by C.
Protein change: p.Asp219His; replaces aspartic acid 219 with histidine.
Molecular consequence: missense variant. On other transcripts: non-coding transcript variant (1).
Genome position (GRCh38, 1-based): chr17:43,095,861, C>G on the plus strand (G>C on the coding strand, the complement: BRCA1 is on the minus strand). VCF-style: chr17-43095861-C-G. GRCh37 (hg19) VCF-style: chr17-41247878-C-G.
Other names: c.655G>C, p.Asp219His (NM_001408419.1, NM_001408420.1, NM_001408422.1 and 59 more transcripts); c.652G>C, p.Asp218His (NM_001408421.1, NM_001408424.1, NM_001408431.1 and 41 more transcripts); c.520G>C, p.Asp174His (NM_001408451.1); c.514G>C, p.Asp172His (NM_001408452.1, NM_001408453.1, NM_001408454.1 and 43 more transcripts); c.442G>C, p.Asp148His (NM_001407571.1, NM_001408490.1, NM_001408491.1 and 12 more transcripts); c.511G>C, p.Asp171His (NM_001408462.1, NM_001408463.1, NM_001408464.1 and 26 more transcripts); c.445G>C, p.Asp149His (NM_001408478.1, NM_001408479.1, NM_001408480.1 and 27 more transcripts); c.274G>C, p.Asp92His (NM_001408510.1, NM_001407959.1, NM_001407960.1 and 1 more transcripts); and 4 more; short protein forms D219H, D172H, D148H, D174H, D171H, D149H, D91H, D92H.
Identifiers: ClinVar variation 234087 (VCV000234087.18), dbSNP rs273902779, ClinGen allele CA10580690.
Genomic context (GRCh38, chr17:43,095,861, plus strand): 5'-CACTCTCTTTTCAGTGCCTGTTAAGTTGGCAAACTTTGCCATTACCCTTTTTTGCAGAAT[C>G]CAAACTGATTTCATCCCTGGTTCCTTGAGGGGTGATTTGTAACAATTCTTGATCTCCCAC-3'
Protein context (NP_009225.1, residues 209-229): PQGTRDEISL[Asp219His]SAKKAACEFS

ClinVar aggregate classification (germline): Uncertain significance. Review status: criteria provided, multiple submitters, no conflicts (2 of 4 stars). 4 submissions from 4 submitters: Uncertain significance (4). Last evaluated 2024-04-17.

Conditions:
Hereditary cancer-predisposing syndrome. Also called: Neoplastic Syndromes, Hereditary; Tumor predisposition; Hereditary Cancer Syndrome; Hereditary neoplastic syndrome. Identifiers: Orphanet 140162, MedGen C0027672, MeSH D009386, MONDO:0015356.
Hereditary breast ovarian cancer syndrome. Also called: Hereditary breast and ovarian cancer syndrome; BRCA1- and BRCA2-Associated Hereditary Breast and Ovarian Cancer; Breast and ovarian cancer; Hereditary breast and/or ovarian cancer syndrome; Hereditary breast and ovarian cancer; Hereditary breast and ovarian cancer syndrome (HBOC). Identifiers: Orphanet 145, MedGen C0677776, MeSH D061325, MONDO:0003582. Disease mechanism: loss of function.

gnomAD v4.1: 1 of 1,613,564 alleles (0.000062%); highest among the groups gnomAD compares: Non-Finnish European, 0.000085%; no homozygotes.

Submissions (4):

Labcorp Genetics (formerly Invitae), Labcorp
Classification: Uncertain significance for Hereditary breast ovarian cancer syndrome. Last evaluated: 2024-04-17. Review status: criteria provided, single submitter. Criteria: Invitae Variant Classification Sherloc (09022015). Collection method: clinical testing. Allele origin: germline.
Comment: This sequence change replaces aspartic acid, which is acidic and polar, with histidine, which is basic and polar, at codon 219 of the BRCA1 protein (p.Asp219His). This variant is not present in population databases (gnomAD no frequency). This variant has not been reported in the literature in individuals affected with BRCA1-related conditions. ClinVar contains an entry for this variant (Variation ID: 234087). Advanced modeling of protein sequence and biophysical properties (such as structural, functional, and spatial information, amino acid conservation, physicochemical variation, residue mobility, and thermodynamic stability) performed at Invitae indicates that this missense variant is not expected to disrupt BRCA1 protein function with a negative predictive value of 95%. Algorithms developed to predict the effect of sequence changes on RNA splicing suggest that this variant may disrupt the consensus splice site. In summary, the available evidence is currently insufficient to determine the role of this variant in disease. Therefore, it has been classified as a Variant of Uncertain Significance.

Ambry Genetics
Classification: Uncertain significance for Hereditary cancer-predisposing syndrome. Last evaluated: 2023-05-16. Review status: criteria provided, single submitter. Criteria: Ambry Variant Classification Scheme 2023. Collection method: clinical testing. Allele origin: germline.
Comment: The p.D219H variant (also known as c.655G>C), located in coding exon 8 of the BRCA1 gene, results from a G to C substitution at nucleotide position 655. The aspartic acid at codon 219 is replaced by histidine, an amino acid with similar properties. This amino acid position is poorly conserved in available vertebrate species. In addition, the in silico prediction for this alteration is inconclusive. Since supporting evidence is limited at this time, the clinical significance of this alteration remains unclear.

GeneDx
Classification: Uncertain significance. Last evaluated: 2023-04-05. Review status: criteria provided, single submitter. Criteria: GeneDx Variant Classification Process June 2021. Collection method: clinical testing. Allele origin: germline. Affected: yes.
Comment: Observed in individuals with a personal or family history of breast, ovarian, or other cancers (Li et al., 2020); Not observed at significant frequency in large population cohorts (gnomAD); In silico analysis is inconclusive as to whether the variant alters gene splicing. In the absence of RNA/functional studies, the actual effect of this sequence change is unknown.; In silico analysis supports that this missense variant does not alter protein structure/function; Also known as 774G>C; This variant is associated with the following publications: (PMID: 9788437, 20215511, 32377563, 29884841, 31853058)

Quest Diagnostics Nichols Institute San Juan Capistrano
Classification: Uncertain significance. Last evaluated: 2020-03-05. Review status: criteria provided, single submitter. Criteria: Quest Diagnostics criteria. Collection method: clinical testing. Allele origin: unknown.